The following is an entry in ClinVar:

ClinVar aggregate classification (germline): Pathogenic (1 of 4 stars; one submission).

Conditions:
Mucopolysaccharidosis, MPS-II (MPS2). Also called: Hunter Syndrome; IDURONATE 2-SULFATASE DEFICIENCY; Mucopolysaccharidosis Type II; Mucopolysaccharidosis type 2; Attenuated MPS (subtype; formerly known as mild MPS II); Severe MPS II. Identifiers: Orphanet 580, Orphanet 79388, MedGen C0026705, MONDO:0010674, OMIM 309900.

Submission:

Laboratory of Diagnosis and Therapy of Lysosomal Disorders, University of Padova
Classification: Pathogenic for Mucopolysaccharidosis, MPS-II. Last evaluated: 2024-06-07. Review status: criteria provided, single submitter. Criteria: ACMG Guidelines, 2015. Collection method: literature only. Allele origin: germline. Affected: yes. Observed: 1 variant allele.
Comment: Located in a mutational hot spot and/or critical functional domain (PM1_Moderate), Absent from controls (or at low frequency) in gnomAD database (PM2_Moderate), Missense variant in a gene with a low rate of benign missense variation (PP2_Supporting), Multiple lines of computational evidence support a deleterious effect (PP3_Supporting), Patient’s phenotype or family history highly specific for the disease (PP4_Strong)

Classification method: ACMG Guidelines [PMID:25741868] with modifications

Literature cited by the submitters: PubMed 22976768.

NM_000202.8(IDS):c.1004A>C (p.His335Pro)

Genes: IDS (iduronate 2-sulfatase; minus strand), LOC106050102 (IDS recombination region; plus strand). Cytogenetic location: Xq28.
Variant type: single nucleotide variant.
Coding change: c.1004A>C on transcript NM_000202.8 (MANE Select); coding-DNA position 1004, A replaced by C.
Protein change: p.His335Pro; replaces histidine 335 with proline.
Molecular consequence: missense variant. On other transcripts: non-coding transcript variant (1).
Genome position (GRCh38, 1-based): chrX:149,490,316, T>G on the plus strand (A>C on the coding strand, the complement: IDS is on the minus strand). VCF-style: chrX-149490316-T-G. GRCh37 (hg19) VCF-style: chrX-148571847-T-G.
Other names: c.734A>C, p.His245Pro (NM_001166550.4); c.1004A>C, p.His335Pro (NM_006123.5); short protein forms H245P, H335P.
Identifiers: ClinVar variation 3255903 (VCV003255903.2).